The following is an entry in ClinVar:

ClinVar aggregate classification (germline): Conflicting classifications of pathogenicity. Review status: criteria provided, conflicting classifications (1 of 4 stars). 2 submissions from 2 submitters: Uncertain significance (1); Likely benign (1). Last evaluated 2023-04-10.

Conditions:
Hereditary cancer-predisposing syndrome. Also called: Hereditary neoplastic syndrome; Neoplastic Syndromes, Hereditary; Tumor predisposition; Hereditary Cancer Syndrome. Identifiers: Orphanet 140162, MedGen C0027672, MeSH D009386, MONDO:0015356.
Hereditary breast ovarian cancer syndrome. Also called: Hereditary breast and/or ovarian cancer syndrome; Hereditary breast and ovarian cancer syndrome; Hereditary breast and ovarian cancer; Hereditary breast and ovarian cancer syndrome (HBOC); Breast and ovarian cancer; BRCA1- and BRCA2-Associated Hereditary Breast and Ovarian Cancer. Identifiers: Orphanet 145, MedGen C0677776, MeSH D061325, MONDO:0003582. Disease mechanism: loss of function.

Submissions (2):

Labcorp Genetics (formerly Invitae), Labcorp
Classification: Uncertain significance for Hereditary breast ovarian cancer syndrome. Last evaluated: 2023-04-10. Review status: criteria provided, single submitter. Criteria: Invitae Variant Classification Sherloc (09022015). Collection method: clinical testing. Allele origin: germline.
Comment: This variant is not present in population databases (gnomAD no frequency). In summary, the available evidence is currently insufficient to determine the role of this variant in disease. Therefore, it has been classified as a Variant of Uncertain Significance. Advanced modeling of protein sequence and biophysical properties (such as structural, functional, and spatial information, amino acid conservation, physicochemical variation, residue mobility, and thermodynamic stability) performed at Invitae indicates that this missense variant is not expected to disrupt BRCA2 protein function. ClinVar contains an entry for this variant (Variation ID: 2098779). This variant has not been reported in the literature in individuals affected with BRCA2-related conditions. This sequence change replaces proline, which is neutral and non-polar, with serine, which is neutral and polar, at codon 1039 of the BRCA2 protein (p.Pro1039Ser).

University of Washington Department of Laboratory Medicine, University of Washington
Classification: Likely benign for Hereditary cancer-predisposing syndrome. Last evaluated: 2023-03-23. Review status: criteria provided, single submitter. Criteria: Dines et al. (Genet Med. 2020). Collection method: curation. Allele origin: germline.
Comment: Missense variant in a coldspot region where missense variants are very unlikely to be pathogenic (PMID:31911673).

BRCA2 exon 11 coldspot. Reclassification based on statistical prior probability.

NM_000059.4(BRCA2):c.3115C>T (p.Pro1039Ser)

Gene: BRCA2 (BRCA2 DNA repair associated; plus strand). Cytogenetic location: 13q13.1.
Variant type: single nucleotide variant.
Coding change: c.3115C>T on transcript NM_000059.4 (MANE Select); coding-DNA position 3115, C replaced by T.
Protein change: p.Pro1039Ser; replaces proline 1039 with serine.
Molecular consequence: missense variant.
Genome position (GRCh38, 1-based): chr13:32,337,470, C>T. VCF-style: chr13-32337470-C-T. GRCh37 (hg19) VCF-style: chr13-32911607-C-T.
Other names: c.3115C>T, p.Pro1039Ser (NM_001406719.1, NM_001406720.1); short protein forms P1039S.
Identifiers: ClinVar variation 2098779 (VCV002098779.6), dbSNP rs2137493358, ClinGen allele CA387775458.